The following is an entry in ClinVar:

ClinVar aggregate classification (germline): Conflicting classifications of pathogenicity. Review status: criteria provided, conflicting classifications (1 of 4 stars). 2 submissions from 2 submitters: Uncertain significance (1); Likely benign (1). Last evaluated 2023-11-09.

Conditions:
Brugada syndrome. Also called: Sudden unexpected nocturnal death syndrome; Sudden Unexplained Death Syndrome; Sudden Unexplained Nocturnal Death Syndrome (SUNDS); Sudden unexplained nocturnal death syndrome. Identifiers: Orphanet 130, MedGen C1142166, MONDO:0015263.
Cardiovascular phenotype. Identifiers: MedGen CN230736.

Allele frequency attached by ClinVar (database versions not stated): gnomAD 0.00001; TOPMed 0.00001; ExAC 0.00007.
gnomAD v4.1: 52 of 1,613,870 alleles (0.0032%); highest among the groups gnomAD compares: South Asian, 0.052%; 1 homozygote.

Submissions (2):

Ambry Genetics
Classification: Likely benign for Cardiovascular phenotype. Last evaluated: 2023-11-09. Review status: criteria provided, single submitter. Criteria: Ambry Variant Classification Scheme 2023. Collection method: clinical testing. Allele origin: germline.

Labcorp Genetics (formerly Invitae), Labcorp
Classification: Uncertain significance for Brugada syndrome. Last evaluated: 2022-09-07. Review status: criteria provided, single submitter. Criteria: Invitae Variant Classification Sherloc (09022015). Collection method: clinical testing. Allele origin: germline.
Comment: Advanced modeling of protein sequence and biophysical properties (such as structural, functional, and spatial information, amino acid conservation, physicochemical variation, residue mobility, and thermodynamic stability) performed at Invitae indicates that this missense variant is not expected to disrupt SCN10A protein function. ClinVar contains an entry for this variant (Variation ID: 1350504). This variant has not been reported in the literature in individuals affected with SCN10A-related conditions. This variant is present in population databases (rs757704367, gnomAD 0.04%). This sequence change replaces proline, which is neutral and non-polar, with leucine, which is neutral and non-polar, at codon 1459 of the SCN10A protein (p.Pro1459Leu). In summary, the available evidence is currently insufficient to determine the role of this variant in disease. Therefore, it has been classified as a Variant of Uncertain Significance.

NM_006514.4(SCN10A):c.4376C>T (p.Pro1459Leu)

Gene: SCN10A (sodium voltage-gated channel alpha subunit 10; minus strand). Cytogenetic location: 3p22.2.
Variant type: single nucleotide variant.
Coding change: c.4376C>T on transcript NM_006514.4 (MANE Select); coding-DNA position 4376, C replaced by T.
Protein change: p.Pro1459Leu; replaces proline 1459 with leucine.
Molecular consequence: missense variant.
Genome position (GRCh38, 1-based): chr3:38,707,289, G>A on the plus strand (C>T on the coding strand, the complement: SCN10A is on the minus strand). VCF-style: chr3-38707289-G-A. GRCh37 (hg19) VCF-style: chr3-38748780-G-A.
Other names: c.4373C>T, p.Pro1458Leu (NM_001293306.2); c.4082C>T, p.Pro1361Leu (NM_001293307.2); c.4376C>T (NM_006514.2); short protein forms P1459L, P1361L, P1458L.
Identifiers: ClinVar variation 1350504 (VCV001350504.5), dbSNP rs757704367, ClinGen allele CA2319924.